The following is an entry in ClinVar:

ClinVar aggregate classification (germline): Uncertain significance (1 of 4 stars; one submission).

Conditions:
BAP1-related tumor predisposition syndrome (TPDS1). Also called: BAP1 tumor predisposition syndrome; TUMOR PREDISPOSITION SYNDROME 1; Tumor susceptibility linked to germline BAP1 mutations; COMMON Syndrome. Identifiers: Orphanet 289539, MedGen C3280492, MONDO:0013692, OMIM 614327.

Submission:

Labcorp Genetics (formerly Invitae), Labcorp
Classification: Uncertain significance for BAP1-related tumor predisposition syndrome. Last evaluated: 2022-09-06. Review status: criteria provided, single submitter. Criteria: Invitae Variant Classification Sherloc (09022015). Collection method: clinical testing. Allele origin: germline.
Comment: This variant has not been reported in the literature in individuals affected with BAP1-related conditions. In summary, the available evidence is currently insufficient to determine the role of this variant in disease. Therefore, it has been classified as a Variant of Uncertain Significance. Algorithms developed to predict the effect of sequence changes on RNA splicing suggest that this variant may create or strengthen a splice site. Algorithms developed to predict the effect of missense changes on protein structure and function are either unavailable or do not agree on the potential impact of this missense change (SIFT: "Deleterious"; PolyPhen-2: "Possibly Damaging"; Align-GVGD: "Class C0"). This variant is not present in population databases (gnomAD no frequency). This sequence change replaces valine, which is neutral and non-polar, with glycine, which is neutral and non-polar, at codon 66 of the BAP1 protein (p.Val66Gly).

NM_004656.4(BAP1):c.197T>G (p.Val66Gly)

Gene: BAP1 (BRCA1 associated deubiquitinase 1; minus strand). Cytogenetic location: 3p21.1.
Variant type: single nucleotide variant.
Coding change: c.197T>G on transcript NM_004656.4 (MANE Select); coding-DNA position 197, T replaced by G.
Protein change: p.Val66Gly; replaces valine 66 with glycine.
Molecular consequence: missense variant.
Genome position (GRCh38, 1-based): chr3:52,408,532, A>C on the plus strand (T>G on the coding strand, the complement: BAP1 is on the minus strand). VCF-style: chr3-52408532-A-C. GRCh37 (hg19) VCF-style: chr3-52442548-A-C.
Other names: c.197T>G, p.Val66Gly (NM_001410772.1); short protein forms V66G.
Identifiers: ClinVar variation 1718120 (VCV001718120.6), dbSNP rs2471357721, ClinGen allele CA353113300.